The following is an entry in ClinVar:

ClinVar aggregate classification (germline): Pathogenic. Review status: criteria provided, multiple submitters, no conflicts (2 of 4 stars). 2 submissions from 2 submitters: Pathogenic (2). Last evaluated 2025-08-03.

Conditions:
Inborn genetic diseases. Identifiers: MedGen C0950123, MeSH D030342.

Allele frequency attached by ClinVar (database versions not stated): gnomAD 0.00001; TOPMed 0.00001.
gnomAD v4.1: 16 of 1,613,770 alleles (0.00099%); highest among the groups gnomAD compares: Admixed American, 0.0017%; no homozygotes.

Submissions (2):

Labcorp Genetics (formerly Invitae), Labcorp
Classification: Pathogenic. Last evaluated: 2025-08-03. Review status: criteria provided, single submitter. Criteria: Invitae Variant Classification Sherloc (09022015). Collection method: clinical testing. Allele origin: germline.
Comment: This sequence change creates a premature translational stop signal (p.Arg229*) in the POLR3A gene. It is expected to result in an absent or disrupted protein product. Loss-of-function variants in POLR3A are known to be pathogenic (PMID: 21855841, 25339210, 27612211, 30414627, 30450527). This variant is present in population databases (no rsID available, gnomAD 0.004%). This variant has not been reported in the literature in individuals affected with POLR3A-related conditions. ClinVar contains an entry for this variant (Variation ID: 1975923). For these reasons, this variant has been classified as Pathogenic.

Ambry Genetics
Classification: Pathogenic for Inborn genetic diseases. Last evaluated: 2023-03-29. Review status: criteria provided, single submitter. Criteria: Ambry Variant Classification Scheme 2023. Collection method: clinical testing. Allele origin: germline.
Comment: The c.685C>T (p.R229*) alteration, located in exon 6 (coding exon 6) of the POLR3A gene, consists of a C to T substitution at nucleotide position 685. This changes the amino acid from an arginine (R) to a stop codon at amino acid position 229. This alteration is expected to result in loss of function by premature protein truncation or nonsense-mediated mRNA decay. Based on data from gnomAD, the T allele has an overall frequency of 0.001% (3/251296) total alleles studied. The highest observed frequency was 0.005% (1/21590) of European (Finnish) alleles. This variant has been reported to be compound heterozygous with the recurrent hypomorphic c.1909+22G>A allele in an individual with features consistent with POLR3A-related ataxia (Baviera-Mu&ntilde;oz, 2022). Based on the available evidence, this alteration is classified as pathogenic.

Literature cited by the submitters: PubMed 21855841 (cited by Labcorp Genetics (formerly Invitae), Labcorp); PubMed 25339210 (cited by Labcorp Genetics (formerly Invitae), Labcorp); PubMed 27612211 (cited by Labcorp Genetics (formerly Invitae), Labcorp); PubMed 30414627 (cited by Labcorp Genetics (formerly Invitae), Labcorp); PubMed 30450527 (cited by Labcorp Genetics (formerly Invitae), Labcorp); PubMed 36530930 (cited by Ambry Genetics).

NM_007055.4(POLR3A):c.685C>T (p.Arg229Ter)

Gene: POLR3A (RNA polymerase III subunit A; minus strand). Cytogenetic location: 10q22.3.
Variant type: single nucleotide variant.
Coding change: c.685C>T on transcript NM_007055.4 (MANE Select); coding-DNA position 685, C replaced by T.
Protein change: p.Arg229Ter; replaces arginine 229 with a stop codon.
Molecular consequence: nonsense.
Genome position (GRCh38, 1-based): chr10:78,022,345, G>A on the plus strand (C>T on the coding strand, the complement: POLR3A is on the minus strand). VCF-style: chr10-78022345-G-A. GRCh37 (hg19) VCF-style: chr10-79782103-G-A.
Other names: c.685C>T (NM_007055.3); short protein forms R229*.
Identifiers: ClinVar variation 1975923 (VCV001975923.7), dbSNP rs1384567912, ClinGen allele CA377345507.